The following is an entry in ClinVar:

NM_000059.4(BRCA2):c.3659_3662delinsG (p.Tyr1220_Ser1221delinsCys)

Gene: BRCA2 (BRCA2 DNA repair associated; plus strand). Cytogenetic location: 13q13.1.
Variant type: Indel.
Coding change: c.3659_3662delinsG on transcript NM_000059.4 (MANE Select); coding-DNA positions 3659 to 3662, ATTC replaced by G.
Protein change: p.Tyr1220_Ser1221delinsCys.
Molecular consequence: inframe indel.
Genome position (GRCh38, 1-based): chr13:32,338,014-32,338,017, ATTC replaced by G. VCF-style: chr13-32338014-ATTC-G. GRCh37 (hg19) VCF-style: chr13-32912151-ATTC-G.
Other names: c.3659_3662delATTCinsG (NM_000059.3).
Identifiers: ClinVar variation 480894 (VCV000480894.5), dbSNP rs1555283342, ClinGen allele CA658656421.

ClinVar aggregate classification (germline): Uncertain significance (1 of 4 stars; one submission).

Conditions:
Hereditary cancer-predisposing syndrome. Also called: Hereditary Cancer Syndrome; Neoplastic Syndromes, Hereditary; Tumor predisposition; Hereditary neoplastic syndrome. Identifiers: Orphanet 140162, MedGen C0027672, MeSH D009386, MONDO:0015356.

Submission:

Ambry Genetics
Classification: Uncertain significance for Hereditary cancer-predisposing syndrome. Last evaluated: 2017-04-03. Review status: criteria provided, single submitter. Criteria: Ambry Variant Classification Scheme 2023. Collection method: clinical testing. Allele origin: germline.
Comment: The c.3659_3662delATTCinsG variant (also known as p.Y1220_S1221delinsC), located in coding exon 10 of the BRCA2 gene, results from an in-frame deletion of ATTC and insertion of G at nucleotide positions 3659 to 3662. This results in the substitution of the tyrosine and serine residues for a cysteine residue at codon 1220. Since supporting evidence is limited at this time, the clinical significance of this alteration remains unclear.